The following is an entry in ClinVar:

ClinVar aggregate classification (germline): Uncertain significance (1 of 4 stars; one submission).

Allele frequency attached by ClinVar (database versions not stated): gnomAD 0.00001.
gnomAD v4.1: 1 of 1,613,988 alleles (0.000062%); highest among the groups gnomAD compares: Admixed American, 0.0017%; no homozygotes.

Submission:

Labcorp Genetics (formerly Invitae), Labcorp
Classification: Uncertain significance. Last evaluated: 2023-02-07. Review status: criteria provided, single submitter. Criteria: Invitae Variant Classification Sherloc (09022015). Collection method: clinical testing. Allele origin: germline.
Comment: Algorithms developed to predict the effect of missense changes on protein structure and function (SIFT, PolyPhen-2, Align-GVGD) all suggest that this variant is likely to be tolerated. This sequence change replaces threonine, which is neutral and polar, with alanine, which is neutral and non-polar, at codon 628 of the CSDE1 protein (p.Thr628Ala). This variant is not present in population databases (gnomAD no frequency). This variant has not been reported in the literature in individuals affected with CSDE1-related conditions. In summary, the available evidence is currently insufficient to determine the role of this variant in disease. Therefore, it has been classified as a Variant of Uncertain Significance.

NM_001007553.3(CSDE1):c.1837A>G (p.Thr613Ala)

Gene: CSDE1 (cold shock domain containing E1; minus strand). Cytogenetic location: 1p13.2.
Variant type: single nucleotide variant.
Coding change: c.1837A>G on transcript NM_001007553.3 (MANE Select); coding-DNA position 1837, A replaced by G.
Protein change: p.Thr613Ala; replaces threonine 613 with alanine.
Molecular consequence: missense variant.
Genome position (GRCh38, 1-based): chr1:114,723,919, T>C on the plus strand (A>G on the coding strand, the complement: CSDE1 is on the minus strand). VCF-style: chr1-114723919-T-C. GRCh37 (hg19) VCF-style: chr1-115266540-T-C.
Other names: c.1882A>G, p.Thr628Ala (NM_001130523.3); c.1975A>G, p.Thr659Ala (NM_001242891.2); c.1837A>G, p.Thr613Ala (NM_001242892.2); c.1744A>G, p.Thr582Ala (NM_001242893.2, NM_007158.6); short protein forms T659A, T613A, T628A, T582A.
Identifiers: ClinVar variation 2835231 (VCV002835231.3), dbSNP rs1659661948, ClinGen allele CA341749477.
Genomic context (GRCh38, chr1:114,723,919, plus strand): 5'-CAGCCTGATAGTGATGATCCTTACCCTCCTCCACAATCTCAATCATTCCTTGGTACTCAG[T>C]CTGTGTTGGATCAACACTCCTCAGGGGGCGAATTACTTTGCCAGAGTAAATGGTGGGATC-3'
Protein context (NP_001007554.1, residues 603-623): RPLRSVDPTQ[Thr613Ala]EYQGMIEIVE